The following is an entry in ClinVar:

NM_032119.4(ADGRV1):c.10686C>A (p.Ser3562Arg)

Gene: ADGRV1 (adhesion G protein-coupled receptor V1; plus strand). Cytogenetic location: 5q14.3.
Variant type: single nucleotide variant.
Coding change: c.10686C>A on transcript NM_032119.4 (MANE Select); coding-DNA position 10686, C replaced by A.
Protein change: p.Ser3562Arg; replaces serine 3562 with arginine.
Molecular consequence: missense variant. On other transcripts: non-coding transcript variant (1).
Genome position (GRCh38, 1-based): chr5:90,745,182, C>A. VCF-style: chr5-90745182-C-A. GRCh37 (hg19) VCF-style: chr5-90040999-C-A.
Other names: c.10686C>A (NM_032119.3); short protein forms S3562R.
Identifiers: ClinVar variation 1903656 (VCV001903656.3), dbSNP rs1754471525, ClinGen allele CA360408215.

ClinVar aggregate classification (germline): Uncertain significance. Review status: criteria provided, multiple submitters, no conflicts (2 of 4 stars). 2 submissions from 2 submitters: Uncertain significance (2). Last evaluated 2023-03-16.

gnomAD v4.1: 1 of 1,613,226 alleles (0.000062%); no homozygotes.

Submissions (2):

Women's Health and Genetics/Laboratory Corporation of America, LabCorp
Classification: Uncertain significance. Last evaluated: 2023-03-16. Review status: criteria provided, single submitter. Criteria: LabCorp Variant Classification Summary - May 2015. Collection method: clinical testing. Allele origin: germline.
Comment: Variant summary: ADGRV1 c.10686C>A (p.Ser3562Arg) results in a non-conservative amino acid change in the encoded protein sequence. Three of five in-silico tools predict a damaging effect of the variant on protein function. The variant was absent in 248304 control chromosomes. The available data on variant occurrences in the general population are insufficient to allow any conclusion about variant significance. To our knowledge, no occurrence of c.10686C>A in individuals affected with ADGRV1-Related Disorders and no experimental evidence demonstrating its impact on protein function have been reported. One clinical diagnostic laboratory has submitted clinical-significance assessments for this variant to ClinVar after 2014 without evidence for independent evaluation and classified the variant as uncertain significance. Based on the evidence outlined above, the variant was classified as uncertain significance.

Labcorp Genetics (formerly Invitae), Labcorp
Classification: Uncertain significance. Last evaluated: 2022-08-23. Review status: criteria provided, single submitter. Criteria: Invitae Variant Classification Sherloc (09022015). Collection method: clinical testing. Allele origin: germline.
Comment: This sequence change replaces serine, which is neutral and polar, with arginine, which is basic and polar, at codon 3562 of the ADGRV1 protein (p.Ser3562Arg). This variant is not present in population databases (gnomAD no frequency). This variant has not been reported in the literature in individuals affected with ADGRV1-related conditions. Algorithms developed to predict the effect of missense changes on protein structure and function are either unavailable or do not agree on the potential impact of this missense change (SIFT: "Deleterious"; PolyPhen-2: "Possibly Damaging"; Align-GVGD: "Class C0"). In summary, the available evidence is currently insufficient to determine the role of this variant in disease. Therefore, it has been classified as a Variant of Uncertain Significance.